The following is an entry in ClinVar:

ClinVar aggregate classification (germline): Pathogenic (3 of 4 stars; one submission).

Conditions:
Glanzmann thrombasthenia. Also called: THROMBASTHENIA OF GLANZMANN AND NAEGELI; BLEEDING DISORDER, PLATELET-TYPE, 2; Thrombasthenia; PLATELET GLYCOPROTEIN IIb-IIIa DEFICIENCY; Glanzmann's thrombasthenia. Identifiers: Orphanet 849, MedGen C0040015, MONDO:0100326.

Submission:

ClinGen Platelet Disorders Variant Curation Expert Panel, ClinGen
Classification: Pathogenic for Glanzmann thrombasthenia. Last evaluated: 2021-08-17. Review status: reviewed by expert panel. Criteria: ClinGen Platelet ACMG Specifications v2. Collection method: curation. Allele origin: germline. Inheritance: Autosomal recessive inheritance.
Comment: The p.Arg287Serfs variant in exon 6 of ITGB3 gene is predicted to introduce a premature stop codon 34 amino acids downstream to it and result in NMD. This variant is absent from large population databases including gnomAD. The variant meets criteria for PVS1, PP4_moderate and PM2_supporting and is classified as pathogenic.

NM_000212.3(ITGB3):c.861del (p.Arg287fs)

Gene: ITGB3 (integrin subunit beta 3; plus strand). Cytogenetic location: 17q21.32.
Variant type: Deletion.
Coding change: c.861del on transcript NM_000212.3 (MANE Select); coding-DNA position 861, one base deleted (G; older notation c.861delG).
Protein change: p.Arg287fs; shifts the reading frame from arginine 287.
Molecular consequence: frameshift variant.
Genome position (GRCh38, 1-based): chr17:47,287,153, G deleted; the last of 2 consecutive G bases (chr17:47,287,152-47,287,153); deleting either gives the same sequence. VCF-style (leftmost placement, unchanged base first): chr17-47287151-AG-A. GRCh37 (hg19) VCF-style: chr17-45364517-AG-A.
Other names: NM_000212.3:c.861del; short protein forms R287fs.
Identifiers: ClinVar variation 1330337 (VCV001330337.1), dbSNP rs2143098979, ClinGen allele CA915940375.